The following is an entry in ClinVar:

NM_004370.6(COL12A1):c.2213G>A (p.Ser738Asn)

Gene: COL12A1 (collagen type XII alpha 1 chain; minus strand). Cytogenetic location: 6q13.
Variant type: single nucleotide variant.
Coding change: c.2213G>A on transcript NM_004370.6 (MANE Select); coding-DNA position 2213, G replaced by A.
Protein change: p.Ser738Asn; replaces serine 738 with asparagine.
Molecular consequence: missense variant. On other transcripts: intron variant (2).
Genome position (GRCh38, 1-based): chr6:75,177,887, C>T on the plus strand (G>A on the coding strand, the complement: COL12A1 is on the minus strand). VCF-style: chr6-75177887-C-T. GRCh37 (hg19) VCF-style: chr6-75887603-C-T.
Other names: c.2213G>A, p.Ser738Asn (NM_001424113.1, NM_001424114.1, NM_001424115.1); c.73+24833G>A (NM_001424116.1, NM_080645.3); short protein forms S738N.
Identifiers: ClinVar variation 3753314 (VCV003753314.2).

ClinVar aggregate classification (germline): Uncertain significance (1 of 4 stars; one submission).

Conditions:
Ullrich congenital muscular dystrophy 2 (UCMD2). Identifiers: Orphanet 75840, MedGen C4225314, MONDO:0014654, OMIM 616470.
Bethlem myopathy 2 (BTHLM2). Identifiers: Orphanet 536516, Orphanet 610, MedGen C4225313, MONDO:0034022, OMIM 616471.

gnomAD v4.1: 1 of 1,613,240 alleles (0.000062%); highest among the groups gnomAD compares: South Asian, 0.0011%; no homozygotes.

Submission:

Labcorp Genetics (formerly Invitae), Labcorp
Classification: Uncertain significance for Bethlem myopathy 2; Ullrich congenital muscular dystrophy 2. Last evaluated: 2024-02-03. Review status: criteria provided, single submitter. Criteria: Invitae Variant Classification Sherloc (09022015). Collection method: clinical testing. Allele origin: germline.
Comment: This sequence change replaces serine, which is neutral and polar, with asparagine, which is neutral and polar, at codon 738 of the COL12A1 protein (p.Ser738Asn). The frequency data for this variant in the population databases is considered unreliable, as metrics indicate poor data quality at this position in the gnomAD database. This variant has not been reported in the literature in individuals affected with COL12A1-related conditions. Advanced modeling of protein sequence and biophysical properties (such as structural, functional, and spatial information, amino acid conservation, physicochemical variation, residue mobility, and thermodynamic stability) performed at Invitae indicates that this missense variant is not expected to disrupt COL12A1 protein function with a negative predictive value of 80%. In summary, the available evidence is currently insufficient to determine the role of this variant in disease. Therefore, it has been classified as a Variant of Uncertain Significance.